The following is an entry in ClinVar:

ClinVar aggregate classification (germline): Uncertain significance (1 of 4 stars; one submission).

Allele frequency attached by ClinVar (database versions not stated): gnomAD 0.00001; gnomAD exomes 0.00001; TOPMed 0.00001; ExAC 0.00002.
gnomAD v4.1: 16 of 1,614,044 alleles (0.00099%); highest among the groups gnomAD compares: African/African-American, 0.0013%; no homozygotes.

Submission:

Labcorp Genetics (formerly Invitae), Labcorp
Classification: Uncertain significance. Last evaluated: 2022-07-16. Review status: criteria provided, single submitter. Criteria: Invitae Variant Classification Sherloc (09022015). Collection method: clinical testing. Allele origin: germline.
Comment: In summary, the available evidence is currently insufficient to determine the role of this variant in disease. Therefore, it has been classified as a Variant of Uncertain Significance. Advanced modeling of protein sequence and biophysical properties (such as structural, functional, and spatial information, amino acid conservation, physicochemical variation, residue mobility, and thermodynamic stability) performed at Invitae indicates that this missense variant is not expected to disrupt ZBTB18 protein function. This variant has not been reported in the literature in individuals affected with ZBTB18-related conditions. This variant is present in population databases (rs747598258, gnomAD 0.01%). This sequence change replaces glutamic acid, which is acidic and polar, with lysine, which is basic and polar, at codon 188 of the ZBTB18 protein (p.Glu188Lys).

NM_205768.3(ZBTB18):c.562G>A (p.Glu188Lys)

Gene: ZBTB18 (zinc finger and BTB domain containing 18; plus strand). Cytogenetic location: 1q44.
Variant type: single nucleotide variant.
Coding change: c.562G>A on transcript NM_205768.3 (MANE Select); coding-DNA position 562, G replaced by A.
Protein change: p.Glu188Lys; replaces glutamic acid 188 with lysine.
Molecular consequence: missense variant.
Genome position (GRCh38, 1-based): chr1:244,054,336, G>A. VCF-style: chr1-244054336-G-A. GRCh37 (hg19) VCF-style: chr1-244217638-G-A.
Other names: c.535G>A, p.Glu179Lys (NM_001278196.2, NM_006352.5); short protein forms E179K, E188K.
Identifiers: ClinVar variation 2108573 (VCV002108573.4), dbSNP rs747598258, ClinGen allele CA1484313.
Genomic context (GRCh38, chr1:244,054,336, plus strand): 5'-GAAGATGAAGGAGAAGATGAAAAATTGAACATCCTGCCCAGCAAAAGGGACTTGGCGGCC[G>A]AGCCTGGGAACATGTGGATGCGATTGCCCTCAGACTCAGCAGGCATCCCCCAGGCTGGCG-3'
Protein context (NP_991331.1, residues 178-198): ILPSKRDLAA[Glu188Lys]PGNMWMRLPS